The following is an entry in ClinVar:

NM_052947.4(ALPK2):c.1961A>G (p.Gln654Arg)

Gene: ALPK2 (alpha kinase 2; minus strand). Cytogenetic location: 18q21.31.
Variant type: single nucleotide variant.
Coding change: c.1961A>G on transcript NM_052947.4 (MANE Select); coding-DNA position 1961, A replaced by G.
Protein change: p.Gln654Arg; replaces glutamine 654 with arginine.
Molecular consequence: missense variant.
Genome position (GRCh38, 1-based): chr18:58,578,815, T>C on the plus strand (A>G on the coding strand, the complement: ALPK2 is on the minus strand). VCF-style: chr18-58578815-T-C. GRCh37 (hg19) VCF-style: chr18-56246047-T-C.
Other names: short protein forms Q654R.
Identifiers: ClinVar variation 1783440 (VCV001783440.3), dbSNP rs527618518, ClinGen allele CA402559302.

ClinVar aggregate classification (germline): Uncertain significance (1 of 4 stars; one submission).

Allele frequency attached by ClinVar (database versions not stated): gnomAD exomes below 0.00001.
gnomAD v4.1: 2 of 1,608,306 alleles (0.00012%); highest among the groups gnomAD compares: Admixed American, 0.0034%; no homozygotes.

Submission:

Ambry Genetics
Classification: Uncertain significance. Last evaluated: 2024-09-04. Review status: criteria provided, single submitter. Criteria: Ambry Variant Classification Scheme 2023. Collection method: clinical testing. Allele origin: germline.
Comment: The p.Q654R variant (also known as c.1961A>G), located in coding exon 3 of the ALPK2 gene, results from an A to G substitution at nucleotide position 1961. The glutamine at codon 654 is replaced by arginine, an amino acid with highly similar properties. This amino acid position is conserved. In addition, this alteration is predicted to be tolerated by in silico analysis. Since supporting evidence is limited at this time, the clinical significance of this alteration remains unclear.